The following is an entry in ClinVar:

NM_000264.5(PTCH1):c.1840T>C (p.Phe614Leu)

Genes: PTCH1 (patched 1; minus strand), LOC100507346 (uncharacterized LOC100507346; plus strand). Cytogenetic location: 9q22.32.
Variant type: single nucleotide variant.
Coding change: c.1840T>C on transcript NM_000264.5 (MANE Select); coding-DNA position 1840, T replaced by C.
Protein change: p.Phe614Leu; replaces phenylalanine 614 with leucine.
Molecular consequence: missense variant. On other transcripts: non-coding transcript variant (2).
Genome position (GRCh38, 1-based): chr9:95,469,820, A>G on the plus strand (T>C on the coding strand, the complement: PTCH1 is on the minus strand). VCF-style: chr9-95469820-A-G. GRCh37 (hg19) VCF-style: chr9-98232102-A-G.
Other names: c.1642T>C, p.Phe548Leu (NM_001083602.3); c.1837T>C, p.Phe613Leu (NM_001083603.3); c.1387T>C, p.Phe463Leu (NM_001083604.3, NM_001083605.3, NM_001083606.3 and 1 more transcripts); c.1684T>C, p.Phe562Leu (NM_001354918.2); short protein forms F614L, F548L, F463L, F562L, F613L.
Identifiers: ClinVar variation 566319 (VCV000566319.9), dbSNP rs1193948667, ClinGen allele CA374116229.
Genomic context (GRCh38, chr9:95,469,820, plus strand): 5'-TCACAGCACCATTCTGCACCCAATCAAAAGGCCACAGCAGTCTGAAAATGTACCTTGTAA[A>G]ACAGCAGAAAATATCCAGTCTCCTGTCCTCGCGTCGATATAAATCCATGCTGAGAATTGC-3'
Protein context (NP_000255.2, residues 604-624): EDRRLDIFCC[Phe614Leu]TSPCVSRVIQ

ClinVar aggregate classification (germline): Uncertain significance (1 of 4 stars; one submission).

Conditions:
Gorlin syndrome. Also called: Nevoid Basal Cell Carcinoma Syndrome; Basal cell nevus syndrome. Identifiers: Orphanet 377, MedGen C0004779, MONDO:0007187.

Submission:

Labcorp Genetics (formerly Invitae), Labcorp
Classification: Uncertain significance for Gorlin syndrome. Last evaluated: 2020-05-15. Review status: criteria provided, single submitter. Criteria: Invitae Variant Classification Sherloc (09022015). Collection method: clinical testing. Allele origin: germline.
Comment: In summary, the available evidence is currently insufficient to determine the role of this variant in disease. Therefore, it has been classified as a Variant of Uncertain Significance. Algorithms developed to predict the effect of missense changes on protein structure and function do not agree on the potential impact of this missense change (SIFT: "Deleterious"; PolyPhen-2: "Benign"; Align-GVGD: "Class C0"). This variant has not been reported in the literature in individuals with PTCH1-related disease. This variant is not present in population databases (ExAC no frequency). This sequence change replaces phenylalanine with leucine at codon 614 of the PTCH1 protein (p.Phe614Leu). The phenylalanine residue is moderately conserved and there is a small physicochemical difference between phenylalanine and leucine.